The following is an entry in ClinVar:

NM_017986.4(SLC52A1):c.434G>A (p.Arg145Gln)

Gene: SLC52A1 (solute carrier family 52 member 1; minus strand). Cytogenetic location: 17p13.2.
Variant type: single nucleotide variant.
Coding change: c.434G>A on transcript NM_017986.4 (MANE Select); coding-DNA position 434, G replaced by A.
Protein change: p.Arg145Gln; replaces arginine 145 with glutamine.
Molecular consequence: missense variant.
Genome position (GRCh38, 1-based): chr17:5,034,055, C>T on the plus strand (G>A on the coding strand, the complement: SLC52A1 is on the minus strand). VCF-style: chr17-5034055-C-T. GRCh37 (hg19) VCF-style: chr17-4937350-C-T.
Other names: c.434G>A (NM_001104577.1); c.434G>A, p.Arg145Gln (NM_001104577.2); short protein forms R145Q.
Identifiers: ClinVar variation 962341 (VCV000962341.14), dbSNP rs374174324, ClinGen allele CA8319791.

ClinVar aggregate classification (germline): Uncertain significance. Review status: criteria provided, multiple submitters, no conflicts (2 of 4 stars). 3 submissions from 3 submitters: Uncertain significance (3). Last evaluated 2026-05-01.

Conditions:
Vitamin B2 deficiency. Identifiers: MedGen C0035528.

Allele frequency attached by ClinVar (database versions not stated): TOPMed 0.00003; gnomAD 0.00004; ESP Exome Variant Server 0.00008; gnomAD exomes 0.00008; ExAC 0.00009.

Submissions (3):

CeGaT Center for Human Genetics Tuebingen
Classification: Uncertain significance. Last evaluated: 2026-05-01. Review status: criteria provided, single submitter. Criteria: CeGaT Center For Human Genetics Tuebingen Variant Classification Criteria Version 2. Collection method: clinical testing. Allele origin: germline. Affected: yes. Observed: 1 variant allele.

Labcorp Genetics (formerly Invitae), Labcorp
Classification: Uncertain significance for Vitamin B2 deficiency. Last evaluated: 2024-10-24. Review status: criteria provided, single submitter. Criteria: Invitae Variant Classification Sherloc (09022015). Collection method: clinical testing. Allele origin: germline.
Comment: This sequence change replaces arginine, which is basic and polar, with glutamine, which is neutral and polar, at codon 145 of the SLC52A1 protein (p.Arg145Gln). This variant is present in population databases (rs374174324, gnomAD 0.03%). This variant has not been reported in the literature in individuals affected with SLC52A1-related conditions. ClinVar contains an entry for this variant (Variation ID: 962341). Invitae Evidence Modeling of protein sequence and biophysical properties (such as structural, functional, and spatial information, amino acid conservation, physicochemical variation, residue mobility, and thermodynamic stability) indicates that this missense variant is not expected to disrupt SLC52A1 protein function with a negative predictive value of 80%. In summary, the available evidence is currently insufficient to determine the role of this variant in disease. Therefore, it has been classified as a Variant of Uncertain Significance.

Ambry Genetics
Classification: Uncertain significance. Last evaluated: 2024-03-25. Review status: criteria provided, single submitter. Criteria: Ambry Variant Classification Scheme 2023. Collection method: clinical testing. Allele origin: germline.